The following is an entry in ClinVar:

NM_006096.4(NDRG1):c.*69C>T

Gene: NDRG1 (N-myc downstream regulated 1; minus strand). Cytogenetic location: 8q24.22.
Variant type: single nucleotide variant.
Coding change: c.*69C>T on transcript NM_006096.4 (MANE Select); 69 bases downstream of the stop codon, C replaced by T.
Molecular consequence: 3 prime UTR variant.
Genome position (GRCh38, 1-based): chr8:133,238,809, G>A on the plus strand (C>T on the coding strand, the complement: NDRG1 is on the minus strand). VCF-style: chr8-133238809-G-A. GRCh37 (hg19) VCF-style: chr8-134251052-G-A.
Other names: c.*69C>T (NM_001135242.2, NM_001258432.2, NM_001258433.2 and 4 more transcripts).
Identifiers: ClinVar variation 362029 (VCV000362029.8), dbSNP rs114738844, ClinGen allele CA10627225.

ClinVar aggregate classification (germline): Benign/Likely benign. Review status: criteria provided, multiple submitters, no conflicts (2 of 4 stars). 3 submissions from 3 submitters: Benign (1); Likely benign (2). Last evaluated 2018-08-14.

Conditions:
Charcot-Marie-Tooth disease type 4D. Also called: CHARCOT-MARIE-TOOTH DISEASE, DEMYELINATING, AUTOSOMAL RECESSIVE, TYPE 4D; NEUROPATHY, HEREDITARY MOTOR AND SENSORY, LOM TYPE; Charcot-Marie-Tooth Neuropathy Type 4D; CHARCOT-MARIE-TOOTH DISEASE, DEMYELINATING, TYPE 4D. Identifiers: Orphanet 99950, MedGen C1832334, MONDO:0011085, OMIM 601455.

Allele frequency attached by ClinVar (database versions not stated): gnomAD exomes 0.00128; gnomAD 0.01074 and 0.01142; 1000 Genomes Project 30x 0.01202; 1000 Genomes Project 0.01218; TOPMed 0.01272.

Submissions (3):

GeneDx
Classification: Likely benign. Last evaluated: 2018-08-14. Review status: criteria provided, single submitter. Criteria: GeneDx Variant Classification Process June 2021. Collection method: clinical testing. Allele origin: germline. Affected: yes.

Illumina Laboratory Services, Illumina
Classification: Benign for Charcot-Marie-Tooth disease type 4D. Last evaluated: 2018-01-13. Review status: criteria provided, single submitter. Criteria: ICSL Variant Classification Criteria 13 December 2019. Collection method: clinical testing. Allele origin: germline.
Comment: This variant was observed in the ICSL laboratory as part of a predisposition screen in an ostensibly healthy population. It had not been previously curated by ICSL or reported in the Human Gene Mutation Database (HGMD: prior to June 1st, 2018), and was therefore a candidate for classification through an automated scoring system. Utilizing variant allele frequency, disease prevalence and penetrance estimates, and inheritance mode, an automated score was calculated to assess if this variant is too frequent to cause the disease. Based on the score and internal cut-off values, a variant classified as benign is not then subjected to further curation. The score for this variant resulted in a classification of benign for this disease.

Breakthrough Genomics
Classification: Likely benign. Review status: criteria provided, single submitter. Criteria: ACMG Guidelines, 2015. Collection method: not provided. Allele origin: germline. Inheritance: Autosomal recessive inheritance. Affected: yes.